The following is an entry in ClinVar:

ClinVar aggregate classification (germline): Uncertain significance. Review status: criteria provided, multiple submitters, no conflicts (2 of 4 stars). 4 submissions from 4 submitters: Uncertain significance (4). Last evaluated 2026-02-24.

Conditions:
GSN-related disorder. Also called: GSN-related condition.
Inborn genetic diseases. Identifiers: MedGen C0950123, MeSH D030342.
Finnish type amyloidosis. Also called: Lattice corneal dystrophy associated with familial systemic amyloidosis; Meretoja's syndrome; Lattice dystrophy of the cornea with hereditary generalized amyloidosis; Amyloidosis, familial, Finnish type; Meretoja type amyloidosis; Amyloidosis 5. Identifiers: Orphanet 85448, MedGen C1622345, MONDO:0007097, OMIM 105120.

Allele frequency attached by ClinVar (database versions not stated): gnomAD 0.00001 and 0.00002; ExAC 0.00003; gnomAD exomes 0.00003; TOPMed 0.00003.
gnomAD v4.1: 13 of 1,613,700 alleles (0.00081%); highest among the groups gnomAD compares: Admixed American, 0.005%; no homozygotes.

Submissions (4):

PreventionGenetics, part of Exact Sciences
Classification: Uncertain significance for GSN-related condition. Last evaluated: 2026-02-24. Review status: criteria provided, single submitter. Criteria: ACMG Guidelines, 2015. Collection method: clinical testing. Allele origin: germline.
Comment: The GSN c.2033G>A variant is predicted to result in the amino acid substitution p.Arg678His. To our knowledge, this variant has not been reported in the literature. This variant is reported in 0.0098% of alleles in individuals of South Asian descent in gnomAD. At this time, the clinical significance of this variant is uncertain due to the absence of conclusive functional and genetic evidence.

Ambry Genetics
Classification: Uncertain significance for Inborn genetic diseases. Last evaluated: 2025-10-15. Review status: criteria provided, single submitter. Criteria: Ambry Variant Classification Scheme 2023. Collection method: clinical testing. Allele origin: germline.

Labcorp Genetics (formerly Invitae), Labcorp
Classification: Uncertain significance. Last evaluated: 2025-09-24. Review status: criteria provided, single submitter. Criteria: Invitae Variant Classification Sherloc (09022015). Collection method: clinical testing. Allele origin: germline.
Comment: This sequence change replaces arginine, which is basic and polar, with histidine, which is basic and polar, at codon 678 of the GSN protein (p.Arg678His). This variant is present in population databases (no rsID available, gnomAD 0.01%). This variant has not been reported in the literature in individuals affected with GSN-related conditions. ClinVar contains an entry for this variant (Variation ID: 1523973). Invitae Evidence Modeling of protein sequence and biophysical properties (such as structural, functional, and spatial information, amino acid conservation, physicochemical variation, residue mobility, and thermodynamic stability) indicates that this missense variant is not expected to disrupt GSN protein function with a negative predictive value of 80%. In summary, the available evidence is currently insufficient to determine the role of this variant in disease. Therefore, it has been classified as a Variant of Uncertain Significance.

Fulgent Genetics
Classification: Uncertain significance for Finnish type amyloidosis. Last evaluated: 2024-05-15. Review status: criteria provided, single submitter. Criteria: ACMG Guidelines, 2015. Collection method: clinical testing. Allele origin: germline.

NM_198252.3(GSN):c.1880G>A (p.Arg627His)

Gene: GSN (gelsolin; plus strand). Cytogenetic location: 9q33.2.
Variant type: single nucleotide variant.
Coding change: c.1880G>A on transcript NM_198252.3 (MANE Select); coding-DNA position 1880, G replaced by A.
Protein change: p.Arg627His; replaces arginine 627 with histidine.
Molecular consequence: missense variant.
Genome position (GRCh38, 1-based): chr9:121,329,008, G>A. VCF-style: chr9-121329008-G-A. GRCh37 (hg19) VCF-style: chr9-124091286-G-A.
Other names: c.2033G>A, p.Arg678His (NM_000177.5); c.1880G>A, p.Arg627His (NM_001127662.2, NM_001127664.2, NM_001127665.2 and 10 more transcripts); c.1988G>A, p.Arg663His (NM_001127663.2); c.1913G>A, p.Arg638His (NM_001127666.2, NM_001127667.2, NM_001353063.2 and 13 more transcripts); c.1931G>A, p.Arg644His (NM_001258029.2); c.1904G>A, p.Arg635His (NM_001258030.2); c.1952G>A, p.Arg651His (NM_001353076.2); c.1226G>A, p.Arg409His (NM_001353078.2); short protein forms R409H, R627H, R678H, R635H, R638H, R651H, R644H, R663H.
Identifiers: ClinVar variation 1523973 (VCV001523973.12), dbSNP rs896776181, ClinGen allele CA5221440.